The following is an entry in ClinVar:

NM_007294.4(BRCA1):c.2746A>G (p.Asn916Asp)

Gene: BRCA1 (BRCA1 DNA repair associated; minus strand). Cytogenetic location: 17q21.31.
Variant type: single nucleotide variant.
Coding change: c.2746A>G on transcript NM_007294.4 (MANE Select); coding-DNA position 2746, A replaced by G.
Protein change: p.Asn916Asp; replaces asparagine 916 with aspartic acid.
Molecular consequence: missense variant. On other transcripts: intron variant (137).
Genome position (GRCh38, 1-based): chr17:43,092,785, T>C on the plus strand (A>G on the coding strand, the complement: BRCA1 is on the minus strand). VCF-style: chr17-43092785-T-C. GRCh37 (hg19) VCF-style: chr17-41244802-T-C.
Other names: c.2620A>G, p.Asn874Asp (NM_001407690.1, NM_001407691.1, NM_001407940.1 and 11 more transcripts); c.2605A>G, p.Asn869Asp (NM_001407692.1, NM_001407694.1, NM_001407695.1 and 29 more transcripts); c.2602A>G, p.Asn868Asp (NM_001407740.1, NM_001407741.1, NM_001407742.1 and 20 more transcripts); c.2533A>G, p.Asn845Asp (NM_001407853.1, NM_001407894.1, NM_001407895.1 and 9 more transcripts); c.2746A>G, p.Asn916Asp (NM_001407854.1, NM_001407858.1, NM_001407859.1 and 30 more transcripts); c.2743A>G, p.Asn915Asp (NM_001407860.1, NM_001407861.1, NM_001407587.1 and 22 more transcripts); c.2545A>G, p.Asn849Asp (NM_001407862.1); c.2623A>G, p.Asn875Asp (NM_001407863.1, NM_001407919.1, NM_001407937.1 and 19 more transcripts); and 41 more; short protein forms N916D, N869D, N789D, N804D, N890D, N620D, N748D, N828D.
Identifiers: ClinVar variation 482936 (VCV000482936.10), dbSNP rs398122666, ClinGen allele CA10596497.

ClinVar aggregate classification (germline): Conflicting classifications of pathogenicity. Review status: criteria provided, conflicting classifications (1 of 4 stars). 3 submissions from 3 submitters: Uncertain significance (2); Likely benign (1). Last evaluated 2024-03-14.

Conditions:
Hereditary breast ovarian cancer syndrome. Also called: Hereditary breast and ovarian cancer syndrome; Hereditary breast and ovarian cancer; Hereditary breast and ovarian cancer syndrome (HBOC); Breast and ovarian cancer; Hereditary breast and/or ovarian cancer syndrome; BRCA1- and BRCA2-Associated Hereditary Breast and Ovarian Cancer. Identifiers: Orphanet 145, MedGen C0677776, MeSH D061325, MONDO:0003582. Disease mechanism: loss of function.
Hereditary cancer-predisposing syndrome. Also called: Neoplastic Syndromes, Hereditary; Tumor predisposition; Hereditary Cancer Syndrome; Hereditary neoplastic syndrome. Identifiers: Orphanet 140162, MedGen C0027672, MeSH D009386, MONDO:0015356.

Allele frequency attached by ClinVar (database versions not stated): gnomAD exomes below 0.00001.
gnomAD v4.1: 1 of 1,614,030 alleles (0.000062%); highest among the groups gnomAD compares: Non-Finnish European, 0.000085%; no homozygotes.

Submissions (3):

Labcorp Genetics (formerly Invitae), Labcorp
Classification: Uncertain significance for Hereditary breast ovarian cancer syndrome. Last evaluated: 2024-03-14. Review status: criteria provided, single submitter. Criteria: Invitae Variant Classification Sherloc (09022015). Collection method: clinical testing. Allele origin: germline.
Comment: This sequence change replaces asparagine, which is neutral and polar, with aspartic acid, which is acidic and polar, at codon 916 of the BRCA1 protein (p.Asn916Asp). This variant is not present in population databases (gnomAD no frequency). This variant has not been reported in the literature in individuals affected with BRCA1-related conditions. ClinVar contains an entry for this variant (Variation ID: 482936). Advanced modeling of protein sequence and biophysical properties (such as structural, functional, and spatial information, amino acid conservation, physicochemical variation, residue mobility, and thermodynamic stability) performed at Invitae indicates that this missense variant is not expected to disrupt BRCA1 protein function with a negative predictive value of 95%. In summary, the available evidence is currently insufficient to determine the role of this variant in disease. Therefore, it has been classified as a Variant of Uncertain Significance.

University of Washington Department of Laboratory Medicine, University of Washington
Classification: Likely benign for Hereditary cancer-predisposing syndrome. Last evaluated: 2023-03-23. Review status: criteria provided, single submitter. Criteria: Dines et al. (Genet Med. 2020). Collection method: curation. Allele origin: germline.
Comment: Missense variant in a coldspot region where missense variants are very unlikely to be pathogenic (PMID:31911673).

BRCA1 coldspot (exon 11 using historical exon numbering). Reclassification based on statistical prior probability

Ambry Genetics
Classification: Uncertain significance for Hereditary cancer-predisposing syndrome. Last evaluated: 2017-02-17. Review status: criteria provided, single submitter. Criteria: Ambry Variant Classification Scheme 2023. Collection method: clinical testing. Allele origin: germline.
Comment: The p.N916D variant (also known as c.2746A>G), located in coding exon 9 of the BRCA1 gene, results from an A to G substitution at nucleotide position 2746. The asparagine at codon 916 is replaced by aspartic acid, an amino acid with highly similar properties. This amino acid position is poorly conserved in available vertebrate species. In addition, this alteration is predicted to be tolerated by in silico analysis. Since supporting evidence is limited at this time, the clinical significance of this alteration remains unclear.